The following is an entry in ClinVar:

NM_006393.3(NEBL):c.2868A>G (p.Leu956=)

Gene: NEBL (nebulette; minus strand). Cytogenetic location: 10p12.31.
Variant type: single nucleotide variant.
Coding change: c.2868A>G on transcript NM_006393.3 (MANE Select); coding-DNA position 2868, A replaced by G.
Protein change: p.Leu956=; no amino-acid change (leucine 956 retained).
Molecular consequence: synonymous variant.
Genome position (GRCh38, 1-based): chr10:20,787,202, T>C on the plus strand (A>G on the coding strand, the complement: NEBL is on the minus strand). VCF-style: chr10-20787202-T-C. GRCh37 (hg19) VCF-style: chr10-21076131-T-C.
Other names: c.636A>G, p.Leu212= (NM_001173484.2, NM_213569.2); c.729A>G, p.Leu243= (NM_001377322.1); c.588A>G, p.Leu196= (NM_001377323.1); c.579A>G, p.Leu193= (NM_001377324.1); c.570A>G, p.Leu190= (NM_001377325.1); c.528A>G, p.Leu176= (NM_001377326.1, NM_001377327.1, NM_001377328.1).
Identifiers: ClinVar variation 1497785 (VCV001497785.6), dbSNP rs779415582, ClinGen allele CA5432300.

ClinVar aggregate classification (germline): Uncertain significance (1 of 4 stars; one submission).

Conditions:
Primary dilated cardiomyopathy (DCM). Also called: Dilated Cardiomyopathy. Identifiers: Orphanet 217604, MedGen C0007193, MeSH D002311, MONDO:0005021, HP:0001644. Inheritance: Various modes of inheritance.

Allele frequency attached by ClinVar (database versions not stated): gnomAD exomes below 0.00001 and 0.00001; ExAC 0.00001; gnomAD 0.00001 and 0.00002; TOPMed 0.00002.
gnomAD v4.1: 7 of 1,604,586 alleles (0.00044%); highest among the groups gnomAD compares: Admixed American, 0.0033%; no homozygotes.

Submission:

Labcorp Genetics (formerly Invitae), Labcorp
Classification: Uncertain significance for Primary dilated cardiomyopathy. Last evaluated: 2025-03-30. Review status: criteria provided, single submitter. Criteria: Invitae Variant Classification Sherloc (09022015). Collection method: clinical testing. Allele origin: germline.
Comment: This sequence change affects codon 956 of the NEBL mRNA. It is a 'silent' change, meaning that it does not change the encoded amino acid sequence of the NEBL protein. It affects a nucleotide within the consensus splice site. This variant is present in population databases (rs779415582, gnomAD 0.003%). This variant has not been reported in the literature in individuals affected with NEBL-related conditions. ClinVar contains an entry for this variant (Variation ID: 1497785). Algorithms developed to predict the effect of sequence changes on RNA splicing suggest that this variant is not likely to affect RNA splicing. In summary, the available evidence is currently insufficient to determine the role of this variant in disease. Therefore, it has been classified as a Variant of Uncertain Significance.